The following is an entry in ClinVar:

NM_018975.4(TERF2IP):c.422A>G (p.Asp141Gly)

Gene: TERF2IP (TERF2 interacting protein; plus strand). Cytogenetic location: 16q23.1.
Variant type: single nucleotide variant.
Coding change: c.422A>G on transcript NM_018975.4 (MANE Select); coding-DNA position 422, A replaced by G.
Protein change: p.Asp141Gly; replaces aspartic acid 141 with glycine.
Molecular consequence: missense variant. On other transcripts: non-coding transcript variant (1).
Genome position (GRCh38, 1-based): chr16:75,648,304, A>G. VCF-style: chr16-75648304-A-G. GRCh37 (hg19) VCF-style: chr16-75682202-A-G.
Other names: short protein forms D141G.
Identifiers: ClinVar variation 1738878 (VCV001738878.2), dbSNP rs1207771574, ClinGen allele CA396817871.
Genomic context (GRCh38, chr16:75,648,304, plus strand): 5'-GCGCCGCGGAGCCGGAGCCGCAGCGGCACGCCGGGCGGATCGCCTTCACGGATGCGGACG[A>G]CGTAGCCATCCTTACCTACGTGAAGGAAAATGCCCGCTCGCCCAGCTCCGTCACCGGTAA-3'
Protein context (NP_061848.2, residues 131-151): AGRIAFTDAD[Asp141Gly]VAILTYVKEN

ClinVar aggregate classification (germline): Uncertain significance (1 of 4 stars; one submission).

Allele frequency attached by ClinVar (database versions not stated): gnomAD exomes below 0.00001.
gnomAD v4.1: 2 of 1,556,800 alleles (0.00013%); highest among the groups gnomAD compares: Non-Finnish European, 0.00017%; no homozygotes.

Submission:

Ambry Genetics
Classification: Uncertain significance. Last evaluated: 2022-06-30. Review status: criteria provided, single submitter. Criteria: Ambry Variant Classification Scheme 2023. Collection method: clinical testing. Allele origin: germline.
Comment: The p.D141G variant (also known as c.422A>G), located in coding exon 1 of the TERF2IP gene, results from an A to G substitution at nucleotide position 422. The aspartic acid at codon 141 is replaced by glycine, an amino acid with similar properties. This amino acid position is conserved. In addition, the in silico prediction for this alteration is inconclusive. Since supporting evidence is limited at this time, the clinical significance of this alteration remains unclear.